The following is an entry in ClinVar:

NM_194292.3(SASS6):c.763_766del (p.Ser255_Glu256insTer)

Gene: SASS6 (SAS-6 centriolar assembly protein; minus strand). Cytogenetic location: 1p21.2.
Variant type: Deletion.
Coding change: c.763_766del on transcript NM_194292.3 (MANE Select); coding-DNA positions 763 to 766, 4 bases deleted (TCTG; older notation c.763_766delTCTG).
Protein change: p.Ser255_Glu256insTer.
Molecular consequence: frameshift variant.
Genome position (GRCh38, 1-based): chr1:100,110,387-100,110,390, CAGA deleted on the plus strand (TCTG on the coding strand, the reverse complement: SASS6 is on the minus strand); deleting any 4 consecutive bases within chr1:100,110,387-100,110,393 gives the same sequence; the c. name uses the placement nearest the transcript's 3' end. VCF-style (leftmost placement, unchanged base first): chr1-100110386-TCAGA-T. GRCh37 (hg19) VCF-style: chr1-100575942-TCAGA-T.
Other names: c.262_265del, p.Ser88_Glu89insTer (NM_001304829.2).
Identifiers: ClinVar variation 2663708 (VCV002663708.1), dbSNP rs1439626623, ClinGen allele CA884478952.

ClinVar aggregate classification (germline): Uncertain significance (1 of 4 stars; one submission).

Submission:

GeneDx
Classification: Uncertain significance. Last evaluated: 2023-04-30. Review status: criteria provided, single submitter. Criteria: GeneDx Variant Classification Process June 2021. Collection method: clinical testing. Allele origin: germline. Affected: yes.
Comment: Not observed at significant frequency in large population cohorts (gnomAD); Nonsense variant predicted to result in protein truncation or nonsense mediated decay in a gene or region of a gene for which loss of function is not a well-established mechanism of disease; Has not been previously published as pathogenic or benign to our knowledge